The following is an entry in ClinVar:

ClinVar aggregate classification (germline): Uncertain significance (1 of 4 stars; one submission).

Conditions:
Emery-Dreifuss muscular dystrophy 5, autosomal dominant (EDMD5). Also called: EMERY-DREIFUSS MUSCULAR DYSTROPHY 5. Identifiers: Orphanet 261, MedGen C2751805, MONDO:0013072, OMIM 612999.

Allele frequency attached by ClinVar (database versions not stated): ExAC 0.00001; gnomAD exomes 0.00001.
gnomAD v4.1: 3 of 1,614,174 alleles (0.00019%); highest among the groups gnomAD compares: Non-Finnish European, 0.00025%; no homozygotes.

Submission:

Labcorp Genetics (formerly Invitae), Labcorp
Classification: Uncertain significance for Emery-Dreifuss muscular dystrophy 5, autosomal dominant. Last evaluated: 2022-09-15. Review status: criteria provided, single submitter. Criteria: Invitae Variant Classification Sherloc (09022015). Collection method: clinical testing. Allele origin: germline.
Comment: This sequence change replaces glycine, which is neutral and non-polar, with arginine, which is basic and polar, at codon 3546 of the SYNE2 protein (p.Gly3546Arg). This variant is present in population databases (rs772491043, gnomAD 0.002%). This variant has not been reported in the literature in individuals affected with SYNE2-related conditions. Algorithms developed to predict the effect of missense changes on protein structure and function output the following: SIFT: "Tolerated"; PolyPhen-2: "Benign"; Align-GVGD: "Class C0". The arginine amino acid residue is found in multiple mammalian species, which suggests that this missense change does not adversely affect protein function. In summary, the available evidence is currently insufficient to determine the role of this variant in disease. Therefore, it has been classified as a Variant of Uncertain Significance.

NM_182914.3(SYNE2):c.10636G>C (p.Gly3546Arg)

Gene: SYNE2 (spectrin repeat containing nuclear envelope protein 2; plus strand). Cytogenetic location: 14q23.2.
Variant type: single nucleotide variant.
Coding change: c.10636G>C on transcript NM_182914.3 (MANE Select); coding-DNA position 10636, G replaced by C.
Protein change: p.Gly3546Arg; replaces glycine 3546 with arginine.
Molecular consequence: missense variant.
Genome position (GRCh38, 1-based): chr14:64,070,849, G>C. VCF-style: chr14-64070849-G-C. GRCh37 (hg19) VCF-style: chr14-64537567-G-C.
Other names: c.10636G>C, p.Gly3546Arg (NM_015180.6); short protein forms G3546R.
Identifiers: ClinVar variation 2122845 (VCV002122845.4), dbSNP rs772491043, ClinGen allele CA7221567.
Genomic context (GRCh38, chr14:64,070,849, plus strand): 5'-CTGTTACTGACTCTACTTCTTCAGCGCATCAGAAGTATCCAGAATGTTCCTGAAAGCTCA[G>C]GGGCTGTGGAAACTGTTCCAGCATTTCAAGAAATTACTTCTATGAAAGAACGATGCAACA-3'
Protein context (NP_878918.2, residues 3536-3556): RSIQNVPESS[Gly3546Arg]AVETVPAFQE